The following is an entry in ClinVar:

ClinVar aggregate classification (germline): Uncertain significance (1 of 4 stars; one submission).

Allele frequency attached by ClinVar (database versions not stated): gnomAD exomes 0.00001; gnomAD 0.00003; TOPMed 0.00003; ExAC 0.00005; ESP Exome Variant Server 0.00008.
gnomAD v4.1: 26 of 1,613,504 alleles (0.0016%); highest among the groups gnomAD compares: African/African-American, 0.019%; no homozygotes.

Submission:

Labcorp Genetics (formerly Invitae), Labcorp
Classification: Uncertain significance. Last evaluated: 2023-12-17. Review status: criteria provided, single submitter. Criteria: Invitae Variant Classification Sherloc (09022015). Collection method: clinical testing. Allele origin: germline.
Comment: This sequence change replaces glutamic acid, which is acidic and polar, with lysine, which is basic and polar, at codon 277 of the LCA5 protein (p.Glu277Lys). This variant is present in population databases (rs375707128, gnomAD 0.03%). This missense change has been observed in individuals with clinical features of retinitis pigmentosa (Invitae). Advanced modeling of protein sequence and biophysical properties (such as structural, functional, and spatial information, amino acid conservation, physicochemical variation, residue mobility, and thermodynamic stability) has been performed at Invitae for this missense variant, however the output from this modeling did not meet the statistical confidence thresholds required to predict the impact of this variant on LCA5 protein function. In summary, the available evidence is currently insufficient to determine the role of this variant in disease. Therefore, it has been classified as a Variant of Uncertain Significance.

NM_001122769.3(LCA5):c.829G>A (p.Glu277Lys)

Gene: LCA5 (lebercilin LCA5; minus strand). Cytogenetic location: 6q14.1.
Variant type: single nucleotide variant.
Coding change: c.829G>A on transcript NM_001122769.3 (MANE Select); coding-DNA position 829, G replaced by A.
Protein change: p.Glu277Lys; replaces glutamic acid 277 with lysine.
Molecular consequence: missense variant.
Genome position (GRCh38, 1-based): chr6:79,493,642, C>T on the plus strand (G>A on the coding strand, the complement: LCA5 is on the minus strand). VCF-style: chr6-79493642-C-T. GRCh37 (hg19) VCF-style: chr6-80203359-C-T.
Other names: c.829G>A, p.Glu277Lys (NM_181714.4); short protein forms E277K.
Identifiers: ClinVar variation 2893046 (VCV002893046.3), dbSNP rs375707128, ClinGen allele CA3901016.
Genomic context (GRCh38, chr6:79,493,642, plus strand): 5'-TATGGAAAACAATGCAATTTAAAATACTTACCTTTAATTTGTGATATAGTCGCTGTACCT[C>T]CTTTTGAAGAACTTTATTTTCATCATGAGCCTCATATGCCCTTTTCCTTTCAGCAAGCAA-3'
Protein context (NP_001116241.1, residues 267-287): AHDENKVLQK[Glu277Lys]VQRLYHKLKE